The following is an entry in ClinVar:

NM_001035.3(RYR2):c.8103T>C (p.Phe2701=)

Gene: RYR2 (ryanodine receptor 2; plus strand). Cytogenetic location: 1q43.
Variant type: single nucleotide variant.
Coding change: c.8103T>C on transcript NM_001035.3 (MANE Select); coding-DNA position 8103, T replaced by C.
Protein change: p.Phe2701=; no amino-acid change (phenylalanine 2701 retained).
Molecular consequence: synonymous variant.
Genome position (GRCh38, 1-based): chr1:237,655,958, T>C. VCF-style: chr1-237655958-T-C. GRCh37 (hg19) VCF-style: chr1-237819258-T-C.
Identifiers: ClinVar variation 1762014 (VCV001762014.10), dbSNP rs1466817824, ClinGen allele CA423820624.

ClinVar aggregate classification (germline): Likely benign. Review status: criteria provided, multiple submitters, no conflicts (2 of 4 stars). 4 submissions from 4 submitters: Likely benign (4). Last evaluated 2025-02-06.

Conditions:
Catecholaminergic polymorphic ventricular tachycardia (CVPT). Also called: Catecholamine-induced polymorphic ventricular tachycardia. Identifiers: Orphanet 3286, MedGen C5574922, MONDO:0017990.
Catecholaminergic polymorphic ventricular tachycardia 1. Also called: VENTRICULAR TACHYCARDIA, CATECHOLAMINERGIC POLYMORPHIC, 1, WITH OR WITHOUT ATRIAL DYSFUNCTION AND/OR DILATED CARDIOMYOPATHY; VENTRICULAR TACHYCARDIA, STRESS-INDUCED POLYMORPHIC 1; RYR2-Related Catecholaminergic Polymorphic Ventricular Tachycardia. Identifiers: Orphanet 3286, MedGen C1631597, MONDO:0011484, OMIM 604772.
Cardiovascular phenotype. Identifiers: MedGen CN230736.
Cardiomyopathy (CMYO). Also called: Cardiomyopathies. Identifiers: Orphanet 167848, MedGen C0878544, MONDO:0004994, HP:0001638. Inheritance: Various modes of inheritance.

Allele frequency attached by ClinVar (database versions not stated): gnomAD exomes below 0.00001; gnomAD 0.00001; TOPMed 0.00001.
gnomAD v4.1: 4 of 1,613,474 alleles (0.00025%); highest among the groups gnomAD compares: Admixed American, 0.0017%; no homozygotes.

Submissions (4):

Labcorp Genetics (formerly Invitae), Labcorp
Classification: Likely benign for Catecholaminergic polymorphic ventricular tachycardia 1. Last evaluated: 2025-02-06. Review status: criteria provided, single submitter. Criteria: Invitae Variant Classification Sherloc (09022015). Collection method: clinical testing. Allele origin: germline.

All of Us Research Program, National Institutes of Health
Classification: Likely benign for Catecholaminergic polymorphic ventricular tachycardia. Last evaluated: 2024-02-05. Review status: criteria provided, single submitter. Criteria: ACMG Guidelines, 2015. Collection method: clinical testing. Allele origin: germline. Inheritance: Autosomal dominant inheritance. Observed: 2 variant alleles, 2 heterozygotes.
Comment: This study involves interpretation of variants in research participants for the purpose of population health screening. Participant phenotype was not available at the time of variant classification. Additional details can be found in publication PMID: 35346344, PMCID: PMC8962531

Color Diagnostics, LLC DBA Color Health
Classification: Likely benign for Cardiomyopathy. Last evaluated: 2022-05-06. Review status: criteria provided, single submitter. Criteria: ACMG Guidelines, 2015. Collection method: clinical testing. Allele origin: germline.

Ambry Genetics
Classification: Likely benign for Cardiovascular phenotype. Last evaluated: 2018-09-14. Review status: criteria provided, single submitter. Criteria: Ambry Variant Classification Scheme 2023. Collection method: clinical testing. Allele origin: germline.